The following is an entry in ClinVar:

ClinVar aggregate classification (germline): Uncertain significance (1 of 4 stars; one submission).

gnomAD v4.1: 63 of 1,613,894 alleles (0.0039%); highest among the groups gnomAD compares: Middle Eastern, 0.017%; no homozygotes.

Submission:

Dasa
Classification: Uncertain significance. Last evaluated: 2025-08-21. Review status: criteria provided, single submitter. Criteria: DASA Assertion Criteria. Collection method: clinical testing. Allele origin: germline.
Comment: NM_000827.4(GRIA1):c.343G>A (p.Val115Ile) is a missense variant that results in the substitution of valine with isoleucine. This variant is rare in population databases. The currently available literature and clinical evidence are not sufficient to establish a definitive association between this variant and the reported condition. Therefore, this variant is classified as a variant of uncertain significance.

NM_000827.4(GRIA1):c.343G>A (p.Val115Ile)

Gene: GRIA1 (glutamate ionotropic receptor AMPA type subunit 1; plus strand). Cytogenetic location: 5q33.2.
Variant type: single nucleotide variant.
Coding change: c.343G>A on transcript NM_000827.4 (MANE Select); coding-DNA position 343, G replaced by A.
Protein change: p.Val115Ile; replaces valine 115 with isoleucine.
Molecular consequence: missense variant. On other transcripts: non-coding transcript variant (2), intron variant (1).
Genome position (GRCh38, 1-based): chr5:153,647,050, G>A. VCF-style: chr5-153647050-G-A. GRCh37 (hg19) VCF-style: chr5-153026610-G-A.
Other names: c.343G>A, p.Val115Ile (NM_001114183.2, NM_001364165.2); c.58G>A, p.Val20Ile (NM_001258020.2); c.373G>A, p.Val125Ile (NM_001258021.2, NM_001258022.2); c.136G>A, p.Val46Ile (NM_001258023.1, NM_001364167.2); c.370G>A, p.Val124Ile (NM_001364166.2); c.221-3280G>A (NM_001258019.2); short protein forms V115I, V124I, V125I, V20I, V46I.
Identifiers: ClinVar variation 5020882 (VCV005020882.1).